The following is an entry in ClinVar:

ClinVar aggregate classification (germline): Benign/Likely benign. Review status: criteria provided, multiple submitters, no conflicts (2 of 4 stars). 6 submissions from 6 submitters: Benign (1); Likely benign (4). 1 of the submissions does not count toward it. Last evaluated 2026-01-27.

Conditions:
Primary ciliary dyskinesia. Also called: Ciliary dyskinesia. Identifiers: Orphanet 244, MedGen C0008780, MONDO:0016575, HP:0012265.

Allele frequency attached by ClinVar (database versions not stated): gnomAD exomes 0.00043; ExAC 0.00057; gnomAD 0.00148 and 0.00156; ESP Exome Variant Server 0.00161; TOPMed 0.00165; 1000 Genomes Project 30x 0.00219; 1000 Genomes Project 0.00240.
gnomAD v4.1: 441 of 1,614,176 alleles (0.027%); highest among the groups gnomAD compares: African/African-American, 0.52%; 2 homozygotes.

Submissions (6):

Labcorp Genetics (formerly Invitae), Labcorp
Classification: Benign for Primary ciliary dyskinesia. Last evaluated: 2026-01-27. Review status: criteria provided, single submitter. Criteria: Invitae Variant Classification Sherloc (09022015). Collection method: clinical testing. Allele origin: germline.

CeGaT Center for Human Genetics Tuebingen
Classification: Likely benign. Last evaluated: 2025-11-01. Review status: criteria provided, single submitter. Criteria: CeGaT Center For Human Genetics Tuebingen Variant Classification Criteria Version 2. Collection method: clinical testing. Allele origin: germline. Affected: yes. Observed: 1 variant allele.
Comment: DNAI1: BP4, BP7

Blueprint Genetics
Classification: Likely benign. Last evaluated: 2024-10-31. Review status: criteria provided, single submitter. Criteria: ACMG Guidelines, 2015. Collection method: clinical testing. Allele origin: germline.

Ambry Genetics
Classification: Likely benign for Primary ciliary dyskinesia. Last evaluated: 2016-01-25. Review status: criteria provided, single submitter. Criteria: Ambry Variant Classification Scheme 2023. Collection method: clinical testing. Allele origin: germline.

PreventionGenetics, part of Exact Sciences
Classification: Likely benign. Review status: criteria provided, single submitter. Criteria: ACMG Guidelines, 2015. Collection method: clinical testing. Allele origin: germline.

Natera, Inc.
Classification: Likely benign for Primary ciliary dyskinesia. Last evaluated: 2019-12-12. Review status: no assertion criteria provided. Collection method: clinical testing. Allele origin: germline. Not counted in ClinVar's aggregate classification.

NM_012144.4(DNAI1):c.1902C>T (p.His634=)

Gene: DNAI1 (dynein axonemal intermediate chain 1; plus strand). Cytogenetic location: 9p13.3.
Variant type: single nucleotide variant.
Coding change: c.1902C>T on transcript NM_012144.4 (MANE Select); coding-DNA position 1902, C replaced by T.
Protein change: p.His634=; no amino-acid change (histidine 634 retained).
Molecular consequence: synonymous variant.
Genome position (GRCh38, 1-based): chr9:34,517,368, C>T. VCF-style: chr9-34517368-C-T. GRCh37 (hg19) VCF-style: chr9-34517366-C-T.
Other names: c.1902C>T (NM_012144.2); c.1914C>T, p.His638= (NM_001281428.2).
Identifiers: ClinVar variation 260202 (VCV000260202.24), dbSNP rs139197229, ClinGen allele CA5034574.
Genomic context (GRCh38, chr9:34,517,368, plus strand): 5'-CAACAAGTATGAGGCCATCTGCAACCAGCCTGTGGCGGCCAAAAAGAACAGGCTCACCCA[C>T]GTGCAGTTCAATCTCATCCACCCCATCATCATTGTGGGCGATGACCGTGGGCACATCATC-3'
Protein context (NP_036276.1, residues 624-644): PVAAKKNRLT[His634=]VQFNLIHPII